The following is an entry in ClinVar:

ClinVar aggregate classification (germline): Uncertain significance (1 of 4 stars; one submission).

Submission:

GeneDx
Classification: Uncertain significance. Last evaluated: 2022-12-22. Review status: criteria provided, single submitter. Criteria: GeneDx Variant Classification Process June 2021. Collection method: clinical testing. Allele origin: germline. Affected: yes.
Comment: Not observed at significant frequency in large population cohorts (gnomAD); In silico analysis supports that this missense variant does not alter protein structure/function; Has not been previously published as pathogenic or benign to our knowledge

NM_001379150.1(IRS4):c.1553G>A (p.Gly518Glu)

Gene: IRS4 (insulin receptor substrate 4; minus strand). Cytogenetic location: Xq22.3.
Variant type: single nucleotide variant.
Coding change: c.1553G>A on transcript NM_001379150.1 (MANE Select); coding-DNA position 1553, G replaced by A.
Protein change: p.Gly518Glu; replaces glycine 518 with glutamic acid.
Molecular consequence: missense variant.
Genome position (GRCh38, 1-based): chrX:108,734,792, C>T on the plus strand (G>A on the coding strand, the complement: IRS4 is on the minus strand). VCF-style: chrX-108734792-C-T. GRCh37 (hg19) VCF-style: chrX-107978022-C-T.
Other names: c.1553G>A, p.Gly518Glu (NM_003604.2); short protein forms G518E.
Identifiers: ClinVar variation 2506690 (VCV002506690.1), dbSNP rs888661272, ClinGen allele CA334192338.
Genomic context (GRCh38, chrX:108,734,792, plus strand): 5'-TGGCCATTTGAGCCCTGACCACCTCGGGATCCCTGTCCCTCGCCTGAACACTGGTTTCCT[C>T]CCGAGCTATGGCTACTGGAGCCTTGGCCATTTGAGCCCTGGCCACCTCCTGAGCCCCGGC-3'
Protein context (NP_001366079.1, residues 508-528): NGQGSSSHSS[Gly518Glu]GNQCSGEGQG